The following is an entry in ClinVar:

NM_000368.5(TSC1):c.1876G>C (p.Glu626Gln)

Gene: TSC1 (TSC complex subunit 1; minus strand). Cytogenetic location: 9q34.13.
Variant type: single nucleotide variant.
Coding change: c.1876G>C on transcript NM_000368.5 (MANE Select); coding-DNA position 1876, G replaced by C.
Protein change: p.Glu626Gln; replaces glutamic acid 626 with glutamine.
Molecular consequence: missense variant.
Genome position (GRCh38, 1-based): chr9:132,905,702, C>G on the plus strand (G>C on the coding strand, the complement: TSC1 is on the minus strand). VCF-style: chr9-132905702-C-G. GRCh37 (hg19) VCF-style: chr9-135781089-C-G.
Other names: c.1723G>C, p.Glu575Gln (NM_001162427.2, NM_001406610.1); c.1513G>C, p.Glu505Gln (NM_001362177.2, NM_001406619.1, NM_001406624.1 and 5 more transcripts); c.1876G>C, p.Glu626Gln (NM_001406592.1, NM_001406593.1, NM_001406594.1 and 7 more transcripts); c.1873G>C, p.Glu625Gln (NM_001406597.1, NM_001406598.1, NM_001406599.1 and 6 more transcripts); c.1510G>C, p.Glu504Gln (NM_001406620.1, NM_001406621.1, NM_001406622.1 and 2 more transcripts); c.925G>C, p.Glu309Gln (NM_001406626.1); c.922G>C, p.Glu308Gln (NM_001406627.1, NM_001406628.1); c.823G>C, p.Glu275Gln (NM_001406629.1, NM_001406630.1); and 1 more; short protein forms E574Q, E625Q, E275Q, E309Q, E504Q, E505Q, E308Q, E575Q.
Identifiers: ClinVar variation 1996079 (VCV001996079.3), dbSNP rs397514815, ClinGen allele CA375362997.

ClinVar aggregate classification (germline): Uncertain significance (1 of 4 stars; one submission).

Conditions:
Tuberous sclerosis 1 (TSC1). Identifiers: Orphanet 805, MedGen C1854465, MONDO:0008612, OMIM 191100.

Submission:

Labcorp Genetics (formerly Invitae), Labcorp
Classification: Uncertain significance for Tuberous sclerosis 1. Last evaluated: 2022-05-19. Review status: criteria provided, single submitter. Criteria: Invitae Variant Classification Sherloc (09022015). Collection method: clinical testing. Allele origin: germline.
Comment: This variant has not been reported in the literature in individuals affected with TSC1-related conditions. In summary, the available evidence is currently insufficient to determine the role of this variant in disease. Therefore, it has been classified as a Variant of Uncertain Significance. Algorithms developed to predict the effect of missense changes on protein structure and function are either unavailable or do not agree on the potential impact of this missense change (SIFT: "Deleterious"; PolyPhen-2: "Possibly Damaging"; Align-GVGD: "Class C0"). This variant is not present in population databases (gnomAD no frequency). This sequence change replaces glutamic acid, which is acidic and polar, with glutamine, which is neutral and polar, at codon 626 of the TSC1 protein (p.Glu626Gln).